The following is an entry in ClinVar:

NM_015311.3(OBSL1):c.531C>G (p.Phe177Leu)

Gene: OBSL1 (obscurin like cytoskeletal adaptor 1; minus strand). Cytogenetic location: 2q35.
Variant type: single nucleotide variant.
Coding change: c.531C>G on transcript NM_015311.3 (MANE Select); coding-DNA position 531, C replaced by G.
Protein change: p.Phe177Leu; replaces phenylalanine 177 with leucine.
Molecular consequence: missense variant.
Genome position (GRCh38, 1-based): chr2:219,570,702, G>C on the plus strand (C>G on the coding strand, the complement: OBSL1 is on the minus strand). VCF-style: chr2-219570702-G-C. GRCh37 (hg19) VCF-style: chr2-220435424-G-C.
Other names: c.531C>G, p.Phe177Leu (NM_001173408.2, NM_001173431.2); short protein forms F177L.
Identifiers: ClinVar variation 3627926 (VCV003627926.1).

ClinVar aggregate classification (germline): Uncertain significance (1 of 4 stars; one submission).

gnomAD v4.1: 2 of 1,509,438 alleles (0.00013%); highest among the groups gnomAD compares: Non-Finnish European, 0.00018%; no homozygotes.

Submission:

Labcorp Genetics (formerly Invitae), Labcorp
Classification: Uncertain significance. Last evaluated: 2024-10-30. Review status: criteria provided, single submitter. Criteria: Invitae Variant Classification Sherloc (09022015). Collection method: clinical testing. Allele origin: germline.
Comment: This sequence change replaces phenylalanine, which is neutral and non-polar, with leucine, which is neutral and non-polar, at codon 177 of the OBSL1 protein (p.Phe177Leu). This variant is not present in population databases (gnomAD no frequency). This variant has not been reported in the literature in individuals affected with OBSL1-related conditions. An algorithm developed to predict the effect of missense changes on protein structure and function (PolyPhen-2) suggests that this variant is likely to be disruptive. In summary, the available evidence is currently insufficient to determine the role of this variant in disease. Therefore, it has been classified as a Variant of Uncertain Significance.